The following is an entry in ClinVar:

ClinVar aggregate classification (germline): Likely pathogenic. Review status: criteria provided, single submitter (1 of 4 stars). 2 submissions from 2 submitters: Likely pathogenic (1). 1 of the submissions does not count toward it. Last evaluated 2024-10-01.

Conditions:
Retinal dystrophy. Also called: Inherited retinal dystrophy. Identifiers: Orphanet 71862, MedGen C0854723, MeSH D058499, MONDO:0019118, HP:0000556.
Enhanced S-cone syndrome 2. Also called: CLUMPED PIGMENTARY RETINAL DEGENERATION. Identifiers: MedGen C6065914, MONDO:0700386, OMIM 621371.

Submissions (2):

Lab De Baere, Eye and Developmental Genetics Lab, Ghent University
Classification: Likely pathogenic for Clumped pigmentary retinal degeneration. Last evaluated: 2024-10-01. Review status: criteria provided, single submitter. Criteria: ACMG Guidelines, 2015. Collection method: research. Allele origin: inherited. Affected: yes. Observed: 1 variant allele.
Comment: ACMG/AMP guidelines: PM2, PVS1_PS2, PM3_PP

Institute of Human Genetics, Univ. Regensburg, Univ. Regensburg
Classification: Pathogenic for Retinal dystrophy. Last evaluated: 2018-01-01. Review status: no assertion criteria provided. Criteria: ACMG Guidelines, 2015. Collection method: clinical testing. Allele origin: germline. Affected: yes. Not counted in ClinVar's aggregate classification.

NM_001354768.3(NRL):c.452_459dup (p.Arg154fs)

Gene: NRL (neural retina leucine zipper; minus strand). Cytogenetic location: 14q11.2.
Variant type: Microsatellite.
Coding change: c.452_459dup on transcript NM_001354768.3 (MANE Select); coding-DNA positions 452 to 459, 8 bases duplicated (GCTGCGGG; older notation c.452_459dupGCTGCGGG).
Protein change: p.Arg154fs; shifts the reading frame from arginine 154.
Molecular consequence: frameshift variant.
Genome position (GRCh38, 1-based): chr14:24,081,491-24,081,498, CCCGCAGC duplicated on the plus strand (GCTGCGGG on the coding strand, the reverse complement: NRL is on the minus strand); duplicating any 8 consecutive bases within chr14:24,081,491-24,081,506 gives the same sequence; the c. name uses the placement nearest the transcript's 3' end. VCF-style (leftmost placement, unchanged base first): chr14-24081490-G-GCCCGCAGC. GRCh37 (hg19) VCF-style: chr14-24550699-G-GCCCGCAGC.
Other names: c.452_459dup, p.Arg154fs (NM_001354769.1, NM_006177.5); c.137_144dup, p.Arg49fs (NM_001354770.2); short protein forms R154fs, R49fs.
Identifiers: ClinVar variation 3250313 (VCV003250313.2).